The following is an entry in ClinVar:

ClinVar aggregate classification (germline): Pathogenic. Review status: reviewed by expert panel (3 of 4 stars). 3 submissions from 3 submitters: Pathogenic (1). 2 of the submissions do not count toward it. Last evaluated 2016-04-22.

Conditions:
Hereditary cancer-predisposing syndrome. Also called: Tumor predisposition; Hereditary Cancer Syndrome; Hereditary neoplastic syndrome; Neoplastic Syndromes, Hereditary. Identifiers: Orphanet 140162, MedGen C0027672, MeSH D009386, MONDO:0015356.
Hereditary breast ovarian cancer syndrome. Also called: Hereditary breast and ovarian cancer; Breast and ovarian cancer; BRCA1- and BRCA2-Associated Hereditary Breast and Ovarian Cancer; Hereditary breast and ovarian cancer syndrome; Hereditary breast and ovarian cancer syndrome (HBOC); Hereditary breast and/or ovarian cancer syndrome. Identifiers: Orphanet 145, MedGen C0677776, MeSH D061325, MONDO:0003582. Disease mechanism: loss of function.
Breast-ovarian cancer, familial, susceptibility to, 2 (BROVCA2). Also called: BRCA2 Hereditary Breast and Ovarian Cancer. Identifiers: Orphanet 145, MedGen C2675520, MONDO:0012933, OMIM 612555. Disease mechanism: loss of function.

Submissions (3):

Evidence-based Network for the Interpretation of Germline Mutant Alleles (ENIGMA)
Classification: Pathogenic for Breast-ovarian cancer, familial, susceptibility to, 2. Last evaluated: 2016-04-22. Review status: reviewed by expert panel. Criteria: ENIGMA BRCA1/2 Classification Criteria (2015). Collection method: curation. Allele origin: germline.
Comment: Variant allele predicted to encode a truncated non-functional protein.

Labcorp Genetics (formerly Invitae), Labcorp
Classification: Pathogenic for Hereditary breast ovarian cancer syndrome. Last evaluated: 2019-12-30. Review status: criteria provided, single submitter. Criteria: Invitae Variant Classification Sherloc (09022015). Collection method: clinical testing. Allele origin: germline. Not counted in ClinVar's aggregate classification.
Comment: For these reasons, this variant has been classified as Pathogenic. Loss-of-function variants in BRCA2 are known to be pathogenic (PMID: 20104584). This variant has been reported in individuals in the Leiden Open-source Variation Database (PMID: 21520333). ClinVar contains an entry for this variant (Variation ID: 236276). This variant is not present in population databases (ExAC no frequency). This sequence change creates a premature translational stop signal (p.Asn54Glnfs*9) in the BRCA2 gene. It is expected to result in an absent or disrupted protein product.

Ambry Genetics
Classification: Pathogenic for Hereditary cancer-predisposing syndrome. Last evaluated: 2019-10-23. Review status: criteria provided, single submitter. Criteria: Ambry Variant Classification Scheme 2023. Collection method: clinical testing. Allele origin: germline. Not counted in ClinVar's aggregate classification.
Comment: The c.160_161delAA pathogenic mutation, located in coding exon 2 of the BRCA2 gene, results from a deletion of two nucleotides at nucleotide positions 160 to 161, causing a translational frameshift with a predicted alternate stop codon (p.N54Qfs*9). This alteration is expected to result in loss of function by premature protein truncation or nonsense-mediated mRNA decay. As such, this alteration is interpreted as a disease-causing mutation.

Literature cited by the submitters: PubMed 20104584 (cited by Labcorp Genetics (formerly Invitae), Labcorp); PubMed 21520333 (cited by Labcorp Genetics (formerly Invitae), Labcorp).

NM_000059.4(BRCA2):c.160_161del (p.Asn54fs)

Gene: BRCA2 (BRCA2 DNA repair associated; plus strand). Cytogenetic location: 13q13.1.
Variant type: Deletion.
Coding change: c.160_161del on transcript NM_000059.4 (MANE Select); coding-DNA positions 160 to 161, 2 bases deleted (AA; older notation c.160_161delAA).
Protein change: p.Asn54fs; shifts the reading frame from asparagine 54.
Molecular consequence: frameshift variant.
Genome position (GRCh38, 1-based): chr13:32,319,169-32,319,170, AA deleted; deleting any 2 consecutive bases within chr13:32,319,166-32,319,170 gives the same sequence; the c. name uses the placement nearest the transcript's 3' end. VCF-style (leftmost placement, unchanged base first): chr13-32319165-TAA-T. GRCh37 (hg19) VCF-style: chr13-32893302-TAA-T.
Other names: 388del2; c.160_161delAA (NM_000059.3); short protein forms N54fs.
Identifiers: ClinVar variation 236276 (VCV000236276.18), dbSNP rs878853297, ClinGen allele CA10581584.